The following is an entry in ClinVar:

NM_006231.4(POLE):c.1448C>G (p.Thr483Ser)

Gene: POLE (DNA polymerase epsilon, catalytic subunit; minus strand). Cytogenetic location: 12q24.33.
Variant type: single nucleotide variant.
Coding change: c.1448C>G on transcript NM_006231.4 (MANE Select); coding-DNA position 1448, C replaced by G.
Protein change: p.Thr483Ser; replaces threonine 483 with serine.
Molecular consequence: missense variant.
Genome position (GRCh38, 1-based): chr12:132,673,189, G>C on the plus strand (C>G on the coding strand, the complement: POLE is on the minus strand). VCF-style: chr12-132673189-G-C. GRCh37 (hg19) VCF-style: chr12-133249775-G-C.
Other names: c.1448C>G (NM_006231.2); short protein forms T483S.
Identifiers: ClinVar variation 2100732 (VCV002100732.5), dbSNP rs1593072208, ClinGen allele CA387358189.

ClinVar aggregate classification (germline): Uncertain significance. Review status: criteria provided, multiple submitters, no conflicts (2 of 4 stars). 2 submissions from 2 submitters: Uncertain significance (2). Last evaluated 2026-04-01.

Conditions:
Hereditary cancer-predisposing syndrome. Also called: Neoplastic Syndromes, Hereditary; Tumor predisposition; Hereditary Cancer Syndrome; Hereditary neoplastic syndrome. Identifiers: Orphanet 140162, MedGen C0027672, MeSH D009386, MONDO:0015356.

Submissions (2):

Ambry Genetics
Classification: Uncertain significance for Hereditary cancer-predisposing syndrome. Last evaluated: 2026-04-01. Review status: criteria provided, single submitter. Criteria: Ambry Variant Classification Scheme 2023. Collection method: clinical testing. Allele origin: germline.
Comment: The p.T483S variant (also known as c.1448C>G), located in coding exon 14 of the POLE gene, results from a C to G substitution at nucleotide position 1448. The threonine at codon 483 is replaced by serine, an amino acid with similar properties. This amino acid position is highly conserved in available vertebrate species. In addition, the in silico prediction for this alteration is inconclusive. Based on the available evidence, the clinical significance of this variant remains unclear.

Labcorp Genetics (formerly Invitae), Labcorp
Classification: Uncertain significance. Last evaluated: 2025-08-13. Review status: criteria provided, single submitter. Criteria: Invitae Variant Classification Sherloc (09022015). Collection method: clinical testing. Allele origin: germline.
Comment: This sequence change replaces threonine, which is neutral and polar, with serine, which is neutral and polar, at codon 483 of the POLE protein (p.Thr483Ser). This variant is not present in population databases (gnomAD no frequency). This variant has not been reported in the literature in individuals affected with POLE-related conditions. ClinVar contains an entry for this variant (Variation ID: 2100732). Invitae Evidence Modeling of protein sequence and biophysical properties (such as structural, functional, and spatial information, amino acid conservation, physicochemical variation, residue mobility, and thermodynamic stability) has been performed for this missense variant. However, the output from this modeling did not meet the statistical confidence thresholds required to predict the impact of this variant on POLE protein function. In summary, the available evidence is currently insufficient to determine the role of this variant in disease. Therefore, it has been classified as a Variant of Uncertain Significance.